The following is an entry in ClinVar:

ClinVar aggregate classification (germline): Pathogenic (1 of 4 stars; one submission).

Submission:

Labcorp Genetics (formerly Invitae), Labcorp
Classification: Pathogenic. Last evaluated: 2021-11-13. Review status: criteria provided, single submitter. Criteria: Invitae Variant Classification Sherloc (09022015). Collection method: clinical testing. Allele origin: germline.
Comment: For these reasons, this variant has been classified as Pathogenic. This variant has not been reported in the literature in individuals affected with P3H2-related conditions. This variant is present in population databases (no rsID available, gnomAD 0.0009%). This sequence change creates a premature translational stop signal (p.Gly403Glufs*13) in the P3H2 gene. It is expected to result in an absent or disrupted protein product. Loss-of-function variants in P3H2 are known to be pathogenic (PMID: 24172257, 25469533).

Literature cited by the submitters: PubMed 24172257; PubMed 25469533.

NM_018192.4(P3H2):c.1208del (p.Gly403fs)

Gene: P3H2 (prolyl 3-hydroxylase 2; minus strand). Cytogenetic location: 3q28.
Variant type: Deletion.
Coding change: c.1208del on transcript NM_018192.4 (MANE Select); coding-DNA position 1208, one base deleted (G; older notation c.1208delG).
Protein change: p.Gly403fs; shifts the reading frame from glycine 403.
Molecular consequence: frameshift variant.
Genome position (GRCh38, 1-based): chr3:189,984,571, C deleted on the plus strand (G on the coding strand, the reverse complement: P3H2 is on the minus strand); the first of 2 consecutive C bases (chr3:189,984,571-189,984,572); deleting either gives the same sequence. VCF-style (leftmost placement, unchanged base first): chr3-189984570-TC-T. GRCh37 (hg19) VCF-style: chr3-189702359-TC-T.
Other names: c.665del, p.Gly222fs (NM_001134418.2); short protein forms G222fs, G403fs.
Identifiers: ClinVar variation 1386761 (VCV001386761.6), dbSNP rs1560348513, ClinGen allele CA548496931.
Genomic context (GRCh38, chr3:189,984,570, plus strand): 5'-CTCCTCATAAAAAACCAGTTTGCATTCTGAATGGACTTACCGATTCTCATCCTGTCGTCC[TC>T]CATATCTGATCCAATAATTCTGTTTTGAATCGAGTAAAAAAAAAAATGCAGTAATTTTGT-3'